The following is an entry in ClinVar:

ClinVar aggregate classification (germline): Uncertain significance. Review status: criteria provided, multiple submitters, no conflicts (2 of 4 stars). 2 submissions from 2 submitters: Uncertain significance (2). Last evaluated 2025-10-02.

Conditions:
Osteogenesis imperfecta type 13. Also called: Osteogenesis imperfecta, type xiii; OI, TYPE XIII. Identifiers: Orphanet 666, MedGen C3553887, MONDO:0013924, OMIM 614856.

Allele frequency attached by ClinVar (database versions not stated): gnomAD 0.00001; gnomAD exomes 0.00002; TOPMed 0.00002; ExAC 0.00003; ESP Exome Variant Server 0.00008.
gnomAD v4.1: 59 of 1,614,082 alleles (0.0037%); highest among the groups gnomAD compares: Non-Finnish European, 0.0046%; no homozygotes.

Submissions (2):

Labcorp Genetics (formerly Invitae), Labcorp
Classification: Uncertain significance. Last evaluated: 2025-10-02. Review status: criteria provided, single submitter. Criteria: Invitae Variant Classification Sherloc (09022015). Collection method: clinical testing. Allele origin: germline.
Comment: This sequence change replaces arginine, which is basic and polar, with glutamine, which is neutral and polar, at codon 152 of the BMP1 protein (p.Arg152Gln). This variant is present in population databases (rs376680208, gnomAD 0.006%). This variant has not been reported in the literature in individuals affected with BMP1-related conditions. ClinVar contains an entry for this variant (Variation ID: 911524). Invitae Evidence Modeling of protein sequence and biophysical properties (such as structural, functional, and spatial information, amino acid conservation, physicochemical variation, residue mobility, and thermodynamic stability) indicates that this missense variant is not expected to disrupt BMP1 protein function with a negative predictive value of 80%. In summary, the available evidence is currently insufficient to determine the role of this variant in disease. Therefore, it has been classified as a Variant of Uncertain Significance.

Illumina Laboratory Services, Illumina
Classification: Uncertain significance for Osteogenesis imperfecta type 13. Last evaluated: 2018-01-13. Review status: criteria provided, single submitter. Criteria: ICSL Variant Classification Criteria 13 December 2019. Collection method: clinical testing. Allele origin: germline.

NM_006129.5(BMP1):c.455G>A (p.Arg152Gln)

Gene: BMP1 (bone morphogenetic protein 1; plus strand). Cytogenetic location: 8p21.3.
Variant type: single nucleotide variant.
Coding change: c.455G>A on transcript NM_006129.5 (MANE Select); coding-DNA position 455, G replaced by A.
Protein change: p.Arg152Gln; replaces arginine 152 with glutamine.
Molecular consequence: missense variant. On other transcripts: non-coding transcript variant (2).
Genome position (GRCh38, 1-based): chr8:22,176,554, G>A. VCF-style: chr8-22176554-G-A. GRCh37 (hg19) VCF-style: chr8-22034067-G-A.
Other names: c.455G>A, p.Arg152Gln (NM_001199.4); short protein forms R152Q.
Identifiers: ClinVar variation 911524 (VCV000911524.6), dbSNP rs376680208, ClinGen allele CA4664273.